The following is an entry in ClinVar:

ClinVar aggregate classification (germline): Uncertain significance (1 of 4 stars; one submission).

Conditions:
Primary ciliary dyskinesia. Also called: Ciliary dyskinesia. Identifiers: Orphanet 244, MedGen C0008780, MONDO:0016575, HP:0012265.

Allele frequency attached by ClinVar (database versions not stated): 1000 Genomes Project 30x 0.00016; 1000 Genomes Project 0.00020.
gnomAD v4.1: 45 of 1,614,270 alleles (0.0028%); highest among the groups gnomAD compares: Admixed American, 0.0083%; no homozygotes.

Submission:

Labcorp Genetics (formerly Invitae), Labcorp
Classification: Uncertain significance for Primary ciliary dyskinesia. Last evaluated: 2024-04-15. Review status: criteria provided, single submitter. Criteria: Invitae Variant Classification Sherloc (09022015). Collection method: clinical testing. Allele origin: germline.
Comment: This sequence change replaces arginine, which is basic and polar, with proline, which is neutral and non-polar, at codon 407 of the ZMYND10 protein (p.Arg407Pro). This variant is present in population databases (rs182064110, gnomAD 0.009%). This variant has not been reported in the literature in individuals affected with ZMYND10-related conditions. ClinVar contains an entry for this variant (Variation ID: 1395746). Advanced modeling of protein sequence and biophysical properties (such as structural, functional, and spatial information, amino acid conservation, physicochemical variation, residue mobility, and thermodynamic stability) performed at Invitae indicates that this missense variant is expected to disrupt ZMYND10 protein function with a positive predictive value of 80%. In summary, the available evidence is currently insufficient to determine the role of this variant in disease. Therefore, it has been classified as a Variant of Uncertain Significance.

NM_015896.4(ZMYND10):c.1220G>C (p.Arg407Pro)

Gene: ZMYND10 (zinc finger MYND-type containing 10; minus strand). Cytogenetic location: 3p21.31.
Variant type: single nucleotide variant.
Coding change: c.1220G>C on transcript NM_015896.4 (MANE Select); coding-DNA position 1220, G replaced by C.
Protein change: p.Arg407Pro; replaces arginine 407 with proline.
Molecular consequence: missense variant.
Genome position (GRCh38, 1-based): chr3:50,341,601, C>G on the plus strand (G>C on the coding strand, the complement: ZMYND10 is on the minus strand). VCF-style: chr3-50341601-C-G. GRCh37 (hg19) VCF-style: chr3-50379032-C-G.
Other names: c.1205G>C, p.Arg402Pro (NM_001308379.2); short protein forms R407P, R402P.
Identifiers: ClinVar variation 1395746 (VCV001395746.4), dbSNP rs182064110, ClinGen allele CA2416950.
Genomic context (GRCh38, chr3:50,341,601, plus strand): 5'-GCTTAGAGGTCCAAGGTTCTAGGATACCCTCACCTGCAGCAATACCACTCATTCTGGCAT[C>G]GTGAGCAGCGCTTAGAAGCCTCTGCACTGCAGTAAGCACAGCGGGGCCGCTCTGGAGCCA-3'
Protein context (NP_056980.2, residues 397-417): CSAEASKRCS[Arg407Pro]CQNEWYCCRE